The following is an entry in ClinVar:

NM_004795.4(KL):c.2929C>T (p.His977Tyr)

Gene: KL (klotho; plus strand). Cytogenetic location: 13q13.1.
Variant type: single nucleotide variant.
Coding change: c.2929C>T on transcript NM_004795.4 (MANE Select); coding-DNA position 2929, C replaced by T.
Protein change: p.His977Tyr; replaces histidine 977 with tyrosine.
Molecular consequence: missense variant.
Genome position (GRCh38, 1-based): chr13:33,064,076, C>T. VCF-style: chr13-33064076-C-T. GRCh37 (hg19) VCF-style: chr13-33638213-C-T.
Other names: p.His977Tyr; short protein forms H977Y.
Identifiers: ClinVar variation 4541772 (VCV004541772.1).
Genomic context (GRCh38, chr13:33,064,076, plus strand): 5'-GAAACTCTGGAAAGATTTTGTCCAGAAGAATTCACCGTGTGTACTGAGTGCAGTTTTTTT[C>T]ACACCCGAAAGTCTTTACTGGCTTTCATAGCTTTTCTATTTTTTGCTTCTATTATTTCTC-3'
Protein context (NP_004786.2, residues 967-987): FTVCTECSFF[His977Tyr]TRKSLLAFIA

ClinVar aggregate classification (germline): Uncertain significance (1 of 4 stars; one submission).

gnomAD v4.1: 5 of 1,614,072 alleles (0.00031%); highest among the groups gnomAD compares: Admixed American, 0.0083%; no homozygotes.

Submission:

Mayo Clinic Laboratories, Mayo Clinic
Classification: Uncertain significance. Last evaluated: 2025-06-22. Review status: criteria provided, single submitter. Criteria: ACMG Guidelines, 2015. Collection method: clinical testing. Allele origin: germline. Observed: 1 variant allele.
Comment: BP4_moderate